The following is an entry in ClinVar:

NM_000478.6(ALPL):c.1487A>G (p.His496Arg)

Gene: ALPL (alkaline phosphatase, biomineralization associated; plus strand). Cytogenetic location: 1p36.12.
Variant type: single nucleotide variant.
Coding change: c.1487A>G on transcript NM_000478.6 (MANE Select); coding-DNA position 1487, A replaced by G.
Protein change: p.His496Arg; replaces histidine 496 with arginine.
Molecular consequence: missense variant.
Genome position (GRCh38, 1-based): chr1:21,577,560, A>G. VCF-style: chr1-21577560-A-G. GRCh37 (hg19) VCF-style: chr1-21904053-A-G.
Other names: c.1322A>G, p.His441Arg (NM_001127501.4); c.1256A>G, p.His419Arg (NM_001177520.3); c.1487A>G, p.His496Arg (NM_001369803.2, NM_001369804.2, NM_001369805.2); short protein forms H419R, H441R, H496R.
Identifiers: ClinVar variation 2671817 (VCV002671817.2), dbSNP rs1644757200, ClinGen allele CA338882384.
Genomic context (GRCh38, chr1:21,577,560, plus strand): 5'-AGCAGAACTACGTCCCCCACGTGATGGCGTATGCAGCCTGCATCGGGGCCAACCTCGGCC[A>G]CTGTGCTCCTGCCAGCTCGGCAGGCAGCCTTGCTGCAGGCCCCCTGCTGCTCGCGCTGGC-3'
Protein context (NP_000469.3, residues 486-506): YAACIGANLG[His496Arg]CAPASSAGSL

ClinVar aggregate classification (germline): Conflicting classifications of pathogenicity. Review status: criteria provided, conflicting classifications (1 of 4 stars). 2 submissions from 2 submitters: Likely pathogenic (1); Uncertain significance (1). Last evaluated 2025-08-29.

Conditions:
Hypophosphatasia. Also called: Phosphoethanol-aminuria. Identifiers: Orphanet 436, MedGen C0020630, MeSH D007014, MONDO:0018570.

gnomAD v4.1: 1 of 1,604,628 alleles (0.000062%); no homozygotes.

Submissions (2):

Genomenon, Inc
Classification: Likely pathogenic for Hypophosphatasia. Last evaluated: 2025-08-29. Review status: criteria provided, single submitter. Criteria: Genomenon Sequence Variant Interpretation Standards. Collection method: curation. Allele origin: germline. Affected: yes.
Comment: ALPL His496Arg (c.1487A>G) is a missense variant that changes the amino acid at residue 496 from Histidine to Arginine. This variant has been observed in a proband affected with hypophosphatasia (PMID:31489468). The variant was found to segregate with disease in at least one affected family (PMID:31489468). It is absent or not present at a significant frequency in gnomAD. In silico models agree that this variant is possibly or probably damaging. In conclusion, we classify ALPL p.His496Arg (c.1487A>G) as a likely pathogenic variant.

JKU Lab, Dept of Paediatrics, Johannes Kepler University
Classification: Uncertain significance for Hypophosphatasia. Last evaluated: 2023-02-14. Review status: criteria provided, single submitter. Criteria: ACMG Guidelines, 2015. Collection method: clinical testing. Allele origin: germline. Affected: yes. Observed: 1 heterozygote.
Comment: Absent in GnomAD. The functional test results and ACMG criteria applied can be looked up in the ALPL gene variant database.

Literature cited by the submitters: PubMed 31489468 (cited by Genomenon, Inc); PubMed 33404770 (cited by JKU Lab, Dept of Paediatrics, Johannes Kepler University).